The following is an entry in ClinVar:

ClinVar aggregate classification (germline): Likely benign (1 of 4 stars; one submission).

Conditions:
Juvenile polyposis/hereditary hemorrhagic telangiectasia syndrome (JPHT). Also called: JP/HHT SYNDROME; JUVENILE POLYPOSIS WITH HEREDITARY HEMORRHAGIC TELANGIECTASIA; POLYPOSIS, GENERALIZED JUVENILE, WITH PULMONARY ARTERIOVENOUS MALFORMATION; TELANGIECTASIA, HEREDITARY HEMORRHAGIC, WITH JUVENILE POLYPOSIS COLI; Juvenile Polyposis Syndrome / Hereditary Hemorrhagic Telangiectasia (JPS/HHT). Identifiers: Orphanet 2929, MedGen C1832942, MONDO:0008278, OMIM 175050.

Submission:

Myriad Genetics, Inc.
Classification: Likely benign for Juvenile polyposis/hereditary hemorrhagic telangiectasia syndrome. Last evaluated: 2025-03-18. Review status: criteria provided, single submitter. Criteria: Myriad Autosomal Dominant, Autosomal Recessive and X-Linked Classification Criteria (2023). Collection method: clinical testing. Allele origin: unknown.
Comment: This variant is considered likely benign. This variant is intronic and is not expected to impact mRNA splicing.

NM_005359.6(SMAD4):c.250-16T>C

Gene: SMAD4 (SMAD family member 4; plus strand). Cytogenetic location: 18q21.2.
Variant type: single nucleotide variant.
Coding change: c.250-16T>C on transcript NM_005359.6 (MANE Select); 16 bases into the intron before coding-DNA position 250, T replaced by C.
Molecular consequence: intron variant.
Genome position (GRCh38, 1-based): chr18:51,048,670, T>C. VCF-style: chr18-51048670-T-C. GRCh37 (hg19) VCF-style: chr18-48575040-T-C.
Other names: c.250-16T>C (NM_001407042.1, NM_001407041.1, NM_001407043.1).
Identifiers: ClinVar variation 3903686 (VCV003903686.1).
Genomic context (GRCh38, chr18:51,048,670, plus strand): 5'-GTGAGGATTAAATCAGAATATATAAAAGTGTCTTGCATAATGTGACACATGAATAAATGG[T>C]CGTTTATTTTTCTAGGTGGCTGGTCGGAAAGGATTTCCTCATGTGATCTATGCCCGTCTC-3'